The following is an entry in ClinVar:

ClinVar aggregate classification (germline): Uncertain significance (1 of 4 stars; one submission).

Conditions:
NOTCH2-related disorder. Also called: NOTCH2-related condition.

Submission:

PreventionGenetics, part of Exact Sciences
Classification: Uncertain significance for NOTCH2-related condition. Last evaluated: 2025-02-21. Review status: criteria provided, single submitter. Criteria: ACMG Guidelines, 2015. Collection method: clinical testing. Allele origin: germline.
Comment: The NOTCH2 c.1274A>G variant is predicted to result in the amino acid substitution p.Asn425Ser. To our knowledge, this variant has not been reported in the literature. This variant is reported in 0.0062% of alleles in individuals of African descent in gnomAD. At this time, the clinical significance of this variant is uncertain due to the absence of conclusive functional and genetic evidence.

NM_024408.4(NOTCH2):c.1274A>G (p.Asn425Ser)

Gene: NOTCH2 (notch receptor 2; minus strand). Cytogenetic location: 1p12.
Variant type: single nucleotide variant.
Coding change: c.1274A>G on transcript NM_024408.4 (MANE Select); coding-DNA position 1274, A replaced by G.
Protein change: p.Asn425Ser; replaces asparagine 425 with serine.
Molecular consequence: missense variant.
Genome position (GRCh38, 1-based): chr1:119,967,612, T>C on the plus strand (A>G on the coding strand, the complement: NOTCH2 is on the minus strand). VCF-style: chr1-119967612-T-C. GRCh37 (hg19) VCF-style: chr1-120510235-T-C.
Other names: c.1274A>G, p.Asn425Ser (NM_001200001.2); short protein forms N425S.
Identifiers: ClinVar variation 4981269 (VCV004981269.1).